The following is an entry in ClinVar:

ClinVar aggregate classification (germline): Uncertain significance (1 of 4 stars; one submission).

Conditions:
TH-deficient dopa-responsive dystonia. Also called: Tyrosine Hydroxylase-Deficient Dopa-Responsive Dystonia; Segawa syndrome, autosomal recessive; DYT-TH. Identifiers: Orphanet 101150, MedGen C2673535, MONDO:0011551, OMIM 605407.

Submission:

Labcorp Genetics (formerly Invitae), Labcorp
Classification: Uncertain significance for TH-deficient dopa-responsive dystonia. Last evaluated: 2022-09-28. Review status: criteria provided, single submitter. Criteria: Invitae Variant Classification Sherloc (09022015). Collection method: clinical testing. Allele origin: germline.
Comment: In summary, the available evidence is currently insufficient to determine the role of this variant in disease. Therefore, it has been classified as a Variant of Uncertain Significance. Algorithms developed to predict the effect of missense changes on protein structure and function output the following: SIFT: "Deleterious"; PolyPhen-2: "Probably Damaging"; Align-GVGD: "Class C35". The histidine amino acid residue is found in multiple mammalian species, which suggests that this missense change does not adversely affect protein function. This missense change has been observed in individual(s) with dystonia (Invitae). In at least one individual the data is consistent with being in trans (on the opposite chromosome) from a pathogenic variant. This variant is not present in population databases (gnomAD no frequency). This sequence change replaces tyrosine, which is neutral and polar, with histidine, which is basic and polar, at codon 427 of the TH protein (p.Tyr427His).

NM_000360.4(TH):c.1186T>C (p.Tyr396His)

Gene: TH (tyrosine hydroxylase; minus strand). Cytogenetic location: 11p15.5.
Variant type: single nucleotide variant.
Coding change: c.1186T>C on transcript NM_000360.4 (MANE Select); coding-DNA position 1186, T replaced by C.
Protein change: p.Tyr396His; replaces tyrosine 396 with histidine.
Molecular consequence: missense variant.
Genome position (GRCh38, 1-based): chr11:2,165,682, A>G on the plus strand (T>C on the coding strand, the complement: TH is on the minus strand). VCF-style: chr11-2165682-A-G. GRCh37 (hg19) VCF-style: chr11-2186912-A-G.
Other names: c.1279T>C, p.Tyr427His (NM_199292.3); c.1267T>C, p.Tyr423His (NM_199293.3); short protein forms Y396H, Y423H, Y427H.
Identifiers: ClinVar variation 2414900 (VCV002414900.5), dbSNP rs2495793224, ClinGen allele CA379125607.